The following is an entry in ClinVar:

ClinVar aggregate classification (germline): Uncertain significance (1 of 4 stars; one submission).

Conditions:
Cardiovascular phenotype. Identifiers: MedGen CN230736.

Submission:

Ambry Genetics
Classification: Uncertain significance for Cardiovascular phenotype. Last evaluated: 2025-02-01. Review status: criteria provided, single submitter. Criteria: Ambry Variant Classification Scheme 2023. Collection method: clinical testing. Allele origin: germline.
Comment: The p.E1441D variant (also known as c.4323A>T), located in coding exon 16 of the AKAP9 gene, results from an A to T substitution at nucleotide position 4323. The glutamic acid at codon 1441 is replaced by aspartic acid, an amino acid with highly similar properties. This amino acid position is conserved. In addition, this alteration is predicted to be tolerated by in silico analysis. Based on the available evidence, the clinical significance of this variant remains unclear.

NM_005751.5(AKAP9):c.4323A>T (p.Glu1441Asp)

Gene: AKAP9 (A-kinase anchoring protein 9; plus strand). Cytogenetic location: 7q21.2.
Variant type: single nucleotide variant.
Coding change: c.4323A>T on transcript NM_005751.5 (MANE Select); coding-DNA position 4323, A replaced by T.
Protein change: p.Glu1441Asp; replaces glutamic acid 1441 with aspartic acid.
Molecular consequence: missense variant.
Genome position (GRCh38, 1-based): chr7:92,031,589, A>T. VCF-style: chr7-92031589-A-T. GRCh37 (hg19) VCF-style: chr7-91660903-A-T.
Other names: c.4323A>T, p.Glu1441Asp (NM_147185.3); short protein forms E1441D.
Identifiers: ClinVar variation 3849564 (VCV003849564.1).